The following is an entry in ClinVar:

ClinVar aggregate classification (germline): Likely benign (1 of 4 stars; one submission).

Allele frequency attached by ClinVar (database versions not stated): gnomAD exomes 0.00019; ExAC 0.00051; 1000 Genomes Project 30x 0.00187; gnomAD 0.00206; TOPMed 0.00242; 1000 Genomes Project 0.00559.

Submissions (3):

CeGaT Center for Human Genetics Tuebingen
Classification: Likely benign. Last evaluated: 2023-04-01. Review status: criteria provided, single submitter. Criteria: CeGaT Center For Human Genetics Tuebingen Variant Classification Criteria Version 2. Collection method: clinical testing. Allele origin: germline. Affected: yes. Observed: 1 variant allele.
Comment: ZDHHC4: BP4, BS2

Dr. Peter K. Rogan Lab, Western University
No classification provided (evidence only). Condition: Familial cancer of breast. Review status: no classification provided. Collection method: in vitro. Allele origin: not applicable. Functional consequence: retained intron. Not counted in ClinVar's aggregate classification.

Dr. Peter K. Rogan Lab, Western University
No classification provided (evidence only). Condition: Colon adenocarcinoma. Review status: no classification provided. Collection method: in vitro. Allele origin: not applicable. Functional consequence: retained intron. Not counted in ClinVar's aggregate classification.

NM_001134389.2(ZDHHC4):c.742-6del

Gene: ZDHHC4 (zDHHC palmitoyltransferase 4; plus strand). Cytogenetic location: 7p22.1.
Variant type: Deletion.
Coding change: c.742-6del on transcript NM_001134389.2 (MANE Select); 6 bases into the intron before coding-DNA position 742, one base deleted (T; older notation c.742-6delT).
Molecular consequence: intron variant. On other transcripts: 3 prime UTR variant (1).
Genome position (GRCh38, 1-based): chr7:6,588,611, T deleted. VCF-style (leftmost placement, unchanged base first): chr7-6588610-CT-C. GRCh37 (hg19) VCF-style: chr7-6628241-CT-C.
Other names: NC_000007.13:g.6628242del; c.*108del (NM_001371299.1); c.742-6del (NM_001134387.2, NM_001134388.2, NM_018106.4 and 5 more transcripts); c.787-6del (NM_001371292.1); c.682-6del (NM_001371298.1).
Identifiers: ClinVar variation 2657305 (VCV002657305.24), dbSNP rs566806865, ClinGen allele CA4155976.